The following is an entry in ClinVar:

ClinVar aggregate classification (germline): Likely benign. Review status: criteria provided, multiple submitters, no conflicts (2 of 4 stars). 2 submissions from 2 submitters: Likely benign (2). Last evaluated 2024-10-22.

Conditions:
Lysosomal acid lipase deficiency. Also called: Acid cholesteryl ester hydrolase deficiency, type 2. Identifiers: Orphanet 275761, MedGen C5574740, MONDO:0800449, MONDO:0010204.
Wolman disease (WOLD). Also called: Acid cholesteryl ester hydrolase deficiency, Wolman type; Acid lipase disease; LYSOSOMAL ACID LIPASE DEFICIENCY, ACUTE INFANTILE; LYSOSOMAL ACID LIPASE DEFICIENCY, COMPLETE; LIPA DEFICIENCY, COMPLETE; LAL DEFICIENCY, COMPLETE. Identifiers: Orphanet 75233, MedGen C0043208, MONDO:0019148, OMIM 620151.

Allele frequency attached by ClinVar (database versions not stated): ExAC 0.00001.
gnomAD v4.1: 2 of 1,586,720 alleles (0.00013%); highest among the groups gnomAD compares: Non-Finnish European, 0.00017%; no homozygotes.

Submissions (2):

GENinCode PLC
Classification: Likely benign for Lysosomal acid lipase deficiency. Last evaluated: 2024-10-22. Review status: criteria provided, single submitter. Criteria: ACMG Guidelines, 2015. Collection method: clinical testing. Allele origin: germline.
Comment: This is a synonymous (silent) variant that is not predicted by SpliceAI to impact splicing. In addition, it occurs at a nucleotide that is not conserved. Therefore this variant has been classified as Likely Benign (BP4, BP7).

Labcorp Genetics (formerly Invitae), Labcorp
Classification: Likely benign for Wolman disease. Last evaluated: 2022-11-08. Review status: criteria provided, single submitter. Criteria: Invitae Variant Classification Sherloc (09022015). Collection method: clinical testing. Allele origin: germline.

NM_000235.4(LIPA):c.831G>T (p.Val277=)

Gene: LIPA (lipase A, lysosomal acid type; minus strand). Cytogenetic location: 10q23.31.
Variant type: single nucleotide variant.
Coding change: c.831G>T on transcript NM_000235.4 (MANE Select); coding-DNA position 831, G replaced by T.
Protein change: p.Val277=; no amino-acid change (valine 277 retained).
Molecular consequence: synonymous variant.
Genome position (GRCh38, 1-based): chr10:89,222,574, C>A on the plus strand (G>T on the coding strand, the complement: LIPA is on the minus strand). VCF-style: chr10-89222574-C-A. GRCh37 (hg19) VCF-style: chr10-90982331-C-A.
Other names: c.831G>T, p.Val277= (NM_001127605.3); c.483G>T, p.Val161= (NM_001288979.2).
Identifiers: ClinVar variation 1909832 (VCV001909832.6), dbSNP rs746566896, ClinGen allele CA5593592.
Genomic context (GRCh38, chr10:89,222,574, plus strand): 5'-GCTCCAGTGTAACATGTTTTGCACAGAAGTTCCAGCAGGAGAATGTGTTGTATATACATC[C>A]ACTCTAGACTGCAAAATAAATACATTGAAATGAAGAATGAAAACAGCATTAAGGTGGCAT-3'
Protein context (NP_000226.2, residues 267-287): FNERNLNMSR[Val277=]DVYTTHSPAG